The following is an entry in ClinVar:

ClinVar aggregate classification (germline): Uncertain significance (1 of 4 stars; one submission).

Conditions:
TSHZ1-related disorder. Also called: TSHZ1-related condition.

Allele frequency attached by ClinVar (database versions not stated): gnomAD exomes 0.00012; gnomAD 0.00013; TOPMed 0.00013; ExAC 0.00018; ESP Exome Variant Server 0.00031.
gnomAD v4.1: 108 of 1,614,208 alleles (0.0067%); highest among the groups gnomAD compares: South Asian, 0.044%; 1 homozygote.

Submission:

PreventionGenetics, part of Exact Sciences
Classification: Uncertain significance for TSHZ1-related condition. Last evaluated: 2026-04-20. Review status: criteria provided, single submitter. Criteria: ACMG Guidelines, 2015. Collection method: clinical testing. Allele origin: germline.
Comment: The TSHZ1 c.925C>T variant is predicted to result in the amino acid substitution p.Arg309Trp. To our knowledge, this variant has not been reported in the literature. This variant is reported in 0.049% of alleles in individuals of South Asian descent in gnomAD. Although we suspect that this variant may be benign, at this time, the clinical significance of this variant is uncertain due to the absence of conclusive functional and genetic evidence.

NM_001308210.2(TSHZ1):c.1060C>T (p.Arg354Trp)

Gene: TSHZ1 (teashirt zinc finger homeobox 1; plus strand). Cytogenetic location: 18q22.3.
Variant type: single nucleotide variant.
Coding change: c.1060C>T on transcript NM_001308210.2 (MANE Select); coding-DNA position 1060, C replaced by T.
Protein change: p.Arg354Trp; replaces arginine 354 with tryptophan.
Molecular consequence: missense variant.
Genome position (GRCh38, 1-based): chr18:75,286,467, C>T. VCF-style: chr18-75286467-C-T. GRCh37 (hg19) VCF-style: chr18-72998422-C-T.
Other names: c.925C>T, p.Arg309Trp (NM_005786.6); short protein forms R309W, R354W.
Identifiers: ClinVar variation 4980053 (VCV004980053.1), dbSNP rs144240769.